The following is an entry in ClinVar:

NM_000925.4(PDHB):c.461dup (p.Ala155fs)

Gene: PDHB (pyruvate dehydrogenase E1 subunit beta; minus strand). Cytogenetic location: 3p14.3.
Variant type: Duplication.
Coding change: c.461dup on transcript NM_000925.4 (MANE Select); coding-DNA position 461, one base duplicated (T; older notation c.461dupT).
Protein change: p.Ala155fs; shifts the reading frame from alanine 155.
Molecular consequence: frameshift variant. On other transcripts: non-coding transcript variant (1).
Genome position (GRCh38, 1-based): chr3:58,430,785, A duplicated on the plus strand (T on the coding strand, the reverse complement: PDHB is on the minus strand). VCF-style (leftmost placement, unchanged base first): chr3-58430784-T-TA. GRCh37 (hg19) VCF-style: chr3-58416511-T-TA.
Other names: c.407dup, p.Ala137fs (NM_001173468.2, NM_001315536.2); short protein forms A137fs, A155fs.
Identifiers: ClinVar variation 4725125 (VCV004725125.1).

ClinVar aggregate classification (germline): Pathogenic (1 of 4 stars; one submission).

Conditions:
Pyruvate dehydrogenase E1-beta deficiency (PDHBD). Identifiers: Orphanet 255138, Orphanet 765, MedGen C3279841, MONDO:0013580, OMIM 614111.

Submission:

Labcorp Genetics (formerly Invitae), Labcorp
Classification: Pathogenic for Pyruvate dehydrogenase E1-beta deficiency. Last evaluated: 2025-08-16. Review status: criteria provided, single submitter. Criteria: Invitae Variant Classification Sherloc (09022015). Collection method: clinical testing. Allele origin: germline.
Comment: This sequence change creates a premature translational stop signal (p.Ala155Serfs*30) in the PDHB gene. It is expected to result in an absent or disrupted protein product. Loss-of-function variants in PDHB are known to be pathogenic (PMID: 21914562, 25356417). This variant is not present in population databases (gnomAD no frequency). This variant has not been reported in the literature in individuals affected with PDHB-related conditions. Algorithms developed to predict the effect of sequence changes on RNA splicing suggest that this variant may disrupt the consensus splice site. For these reasons, this variant has been classified as Pathogenic.

Literature cited by the submitters: PubMed 21914562; PubMed 25356417.